The following is an entry in ClinVar:

NM_005445.4(SMC3):c.3321T>C (p.Gly1107=)

Gene: SMC3 (structural maintenance of chromosomes 3; plus strand). Cytogenetic location: 10q25.2.
Variant type: single nucleotide variant.
Coding change: c.3321T>C on transcript NM_005445.4 (MANE Select); coding-DNA position 3321, T replaced by C.
Protein change: p.Gly1107=; no amino-acid change (glycine 1107 retained).
Molecular consequence: synonymous variant.
Genome position (GRCh38, 1-based): chr10:110,602,848, T>C. VCF-style: chr10-110602848-T-C. GRCh37 (hg19) VCF-style: chr10-112362606-T-C.
Identifiers: ClinVar variation 879044 (VCV000879044.5), dbSNP rs184870066, ClinGen allele CA5688407.

ClinVar aggregate classification (germline): Likely benign. Review status: criteria provided, multiple submitters, no conflicts (2 of 4 stars). 2 submissions from 2 submitters: Likely benign (2). Last evaluated 2026-06-01.

Conditions:
Cornelia de Lange syndrome 3 (CDLS3). Also called: SMC3-Related Cornelia de Lange Syndrome; CORNELIA DE LANGE SYNDROME 3 WITH OR WITHOUT MIDLINE BRAIN DEFECTS. Identifiers: Orphanet 199, MedGen C1853099, MONDO:0012555, OMIM 610759.

Allele frequency attached by ClinVar (database versions not stated): gnomAD exomes 0.00008 and 0.00001; ExAC 0.00010; 1000 Genomes Project 0.00060; gnomAD 0.00001 and 0.00003; TOPMed 0.00003; 1000 Genomes Project 30x 0.00062.
gnomAD v4.1: 14 of 1,613,958 alleles (0.00087%); highest among the groups gnomAD compares: East Asian, 0.029%; no homozygotes.

Submissions (2):

Women's Health and Genetics/Laboratory Corporation of America, LabCorp
Classification: Likely benign. Last evaluated: 2026-06-01. Review status: criteria provided, single submitter. Criteria: LabCorp Variant Classification Summary - May 2015. Collection method: clinical testing. Allele origin: germline.

Illumina Laboratory Services, Illumina
Classification: Likely benign for Cornelia de Lange syndrome 3. Last evaluated: 2018-01-12. Review status: criteria provided, single submitter. Criteria: ICSL Variant Classification Criteria 13 December 2019. Collection method: clinical testing. Allele origin: germline.
Comment: This variant was observed in the ICSL laboratory as part of a predisposition screen in an ostensibly healthy population. It had not been previously curated by ICSL or reported in the Human Gene Mutation Database (HGMD: prior to June 1st, 2018), and was therefore a candidate for classification through an automated scoring system. Utilizing variant allele frequency, disease prevalence and penetrance estimates, and inheritance mode, an automated score was calculated to assess if this variant is too frequent to cause the disease. Based on the score and internal cut-off values, a variant classified as likely benign is not then subjected to further curation. The score for this variant resulted in a classification of likely benign for this disease.